The following is an entry in ClinVar:

NM_000548.5(TSC2):c.4609_4662dup (p.Ile1537_Gln1554dup)

Gene: TSC2 (TSC complex subunit 2; plus strand). Cytogenetic location: 16p13.3.
Variant type: Duplication.
Coding change: c.4609_4662dup on transcript NM_000548.5 (MANE Select); coding-DNA positions 4609 to 4662, 54 bases duplicated.
Protein change: p.Ile1537_Gln1554dup.
Molecular consequence: inframe insertion.
Genome position (GRCh38, 1-based): chr16:2,085,269-2,085,322, 54 bases duplicated. GRCh37 (hg19): chr16:2,135,270-2,135,323.
Other names: c.4441_4494dup, p.Ile1481_Gln1498dup (NM_001318832.2); c.4411_4464dup, p.Ile1471_Gln1488dup (NM_001363528.2); c.4477_4530dup, p.Ile1493_Gln1510dup (NM_001370404.1); c.4480_4533dup, p.Ile1494_Gln1511dup (NM_001370405.1, NM_021055.3); c.4408_4461dup, p.Ile1470_Gln1487dup (NM_001077183.3); c.4540_4593dup, p.Ile1514_Gln1531dup (NM_001114382.3); c.4300_4353dup, p.Ile1434_Gln1451dup (NM_001318827.2); c.4264_4317dup, p.Ile1422_Gln1439dup (NM_001318829.2); and 1 more.
Identifiers: ClinVar variation 1415761 (VCV001415761.8), dbSNP rs2151551613, ClinGen allele CA2573151928.

ClinVar aggregate classification (germline): Uncertain significance (1 of 4 stars; one submission).

Conditions:
Tuberous sclerosis 2 (TSC2). Identifiers: Orphanet 805, MedGen C1860707, MONDO:0013199, OMIM 613254.

Submission:

Labcorp Genetics (formerly Invitae), Labcorp
Classification: Uncertain significance for Tuberous sclerosis 2. Last evaluated: 2024-04-20. Review status: criteria provided, single submitter. Criteria: Invitae Variant Classification Sherloc (09022015). Collection method: clinical testing. Allele origin: germline.
Comment: This variant, c.4609_4662dup, results in the insertion of 18 amino acid(s) of the TSC2 protein (p.Ile1537_Gln1554dup), but otherwise preserves the integrity of the reading frame. This variant is not present in population databases (gnomAD no frequency). This variant has been observed in individual(s) with clinical features of tuberous sclerosis complex (Invitae). ClinVar contains an entry for this variant (Variation ID: 1415761). Experimental studies and prediction algorithms are not available or were not evaluated, and the functional significance of this variant is currently unknown. In summary, the available evidence is currently insufficient to determine the role of this variant in disease. Therefore, it has been classified as a Variant of Uncertain Significance.